The following is an entry in ClinVar:

ClinVar aggregate classification (germline): Uncertain significance (1 of 4 stars; one submission).

Allele frequency attached by ClinVar (database versions not stated): gnomAD 0.00001; gnomAD exomes 0.00001.
gnomAD v4.1: 10 of 1,601,398 alleles (0.00062%); highest among the groups gnomAD compares: African/African-American, 0.0027%; no homozygotes.

Submission:

Labcorp Genetics (formerly Invitae), Labcorp
Classification: Uncertain significance. Last evaluated: 2021-09-10. Review status: criteria provided, single submitter. Criteria: Invitae Variant Classification Sherloc (09022015). Collection method: clinical testing. Allele origin: germline.
Comment: This sequence change replaces glycine with glutamic acid at codon 649 of the CACNA2D4 protein (p.Gly649Glu). The glycine residue is highly conserved and there is a moderate physicochemical difference between glycine and glutamic acid. This variant is not present in population databases (ExAC no frequency). This variant has not been reported in the literature in individuals affected with CACNA2D4-related conditions. Algorithms developed to predict the effect of missense changes on protein structure and function are either unavailable or do not agree on the potential impact of this missense change (SIFT: "Deleterious"; PolyPhen-2: "Probably Damaging"; Align-GVGD: "Class C0"). In summary, the available evidence is currently insufficient to determine the role of this variant in disease. Therefore, it has been classified as a Variant of Uncertain Significance.

NM_172364.5(CACNA2D4):c.1946G>A (p.Gly649Glu)

Gene: CACNA2D4 (calcium voltage-gated channel auxiliary subunit alpha2delta 4; minus strand). Cytogenetic location: 12p13.33.
Variant type: single nucleotide variant.
Coding change: c.1946G>A on transcript NM_172364.5 (MANE Select); coding-DNA position 1946, G replaced by A.
Protein change: p.Gly649Glu; replaces glycine 649 with glutamic acid.
Molecular consequence: missense variant.
Genome position (GRCh38, 1-based): chr12:1,858,639, C>T on the plus strand (G>A on the coding strand, the complement: CACNA2D4 is on the minus strand). VCF-style: chr12-1858639-C-T. GRCh37 (hg19) VCF-style: chr12-1967805-C-T.
Other names: short protein forms G649E.
Identifiers: ClinVar variation 1463615 (VCV001463615.6), dbSNP rs1356863731, ClinGen allele CA383349796.